The following is an entry in ClinVar:

ClinVar aggregate classification (germline): Pathogenic/Likely pathogenic. Review status: criteria provided, multiple submitters, no conflicts (2 of 4 stars). 2 submissions from 2 submitters: Pathogenic (1); Likely pathogenic (1). Last evaluated 2024-12-04.

Conditions:
Fanconi anemia (FA). Also called: Fanconi's anemia. Identifiers: Orphanet 84, MedGen C0015625, MeSH D005199, MONDO:0019391.
Fanconi anemia complementation group A (FANCA). Also called: FANCA-Related Fanconi Anemia; Fanconi anemia, group A. Identifiers: Orphanet 84, MedGen C3469521, MONDO:0009215, OMIM 227650.

Submissions (2):

Labcorp Genetics (formerly Invitae), Labcorp
Classification: Pathogenic for Fanconi anemia. Last evaluated: 2024-12-04. Review status: criteria provided, single submitter. Criteria: Invitae Variant Classification Sherloc (09022015). Collection method: clinical testing. Allele origin: germline.
Comment: This sequence change creates a premature translational stop signal (p.Asn729Profs*64) in the FANCA gene. It is expected to result in an absent or disrupted protein product. Loss-of-function variants in FANCA are known to be pathogenic (PMID: 19367192). This variant is not present in population databases (gnomAD no frequency). This variant has not been reported in the literature in individuals affected with FANCA-related conditions. ClinVar contains an entry for this variant (Variation ID: 2878323). For these reasons, this variant has been classified as Pathogenic.

Baylor Genetics
Classification: Likely pathogenic for Fanconi anemia complementation group A. Last evaluated: 2023-11-02. Review status: criteria provided, single submitter. Criteria: ACMG Guidelines, 2015. Collection method: clinical testing. Allele origin: unknown.

Literature cited by the submitters: PubMed 19367192 (cited by Labcorp Genetics (formerly Invitae), Labcorp).

NM_000135.4(FANCA):c.2184_2185del (p.Asn729fs)

Gene: FANCA (FA complementation group A; minus strand). Cytogenetic location: 16q24.3.
Variant type: Deletion.
Coding change: c.2184_2185del on transcript NM_000135.4 (MANE Select); coding-DNA positions 2184 to 2185, 2 bases deleted (GA; older notation c.2184_2185delGA).
Protein change: p.Asn729fs; shifts the reading frame from asparagine 729.
Molecular consequence: frameshift variant.
Genome position (GRCh38, 1-based): chr16:89,770,601-89,770,602, TC deleted on the plus strand (GA on the coding strand, the reverse complement: FANCA is on the minus strand); deleting any 2 consecutive bases within chr16:89,770,601-89,770,603 gives the same sequence; the c. name uses the placement nearest the transcript's 3' end. VCF-style (leftmost placement, unchanged base first): chr16-89770600-TTC-T. GRCh37 (hg19) VCF-style: chr16-89837008-TTC-T.
Other names: c.2184_2185del, p.Asn729fs (NM_001286167.3); short protein forms N729fs.
Identifiers: ClinVar variation 2878323 (VCV002878323.4), dbSNP rs2039289668, ClinGen allele CA2241910750.